The following is an entry in ClinVar:

NM_005866.4(SIGMAR1):c.463G>T (p.Gly155Trp)

Gene: SIGMAR1 (sigma receptor chaperone 1; minus strand). Cytogenetic location: 9p13.3.
Variant type: single nucleotide variant.
Coding change: c.463G>T on transcript NM_005866.4 (MANE Select); coding-DNA position 463, G replaced by T.
Protein change: p.Gly155Trp; replaces glycine 155 with tryptophan.
Molecular consequence: missense variant. On other transcripts: 3 prime UTR variant (1), non-coding transcript variant (1), intron variant (1).
Genome position (GRCh38, 1-based): chr9:34,635,841, C>A on the plus strand (G>T on the coding strand, the complement: SIGMAR1 is on the minus strand). VCF-style: chr9-34635841-C-A. GRCh37 (hg19) VCF-style: chr9-34635838-C-A.
Other names: c.163G>T, p.Gly55Trp (NM_001282206.2); c.403G>T, p.Gly135Trp (NM_001282207.2); c.*6G>T (NM_001282208.2); c.323G>T, p.Arg108Leu (NM_001282209.2); c.370G>T, p.Gly124Trp (NM_147157.3); c.446-201G>T (NM_001282205.2); short protein forms R108L, G124W, G55W, G135W, G155W.
Identifiers: ClinVar variation 843288 (VCV000843288.9), dbSNP rs200076129, ClinGen allele CA5035851.

ClinVar aggregate classification (germline): Uncertain significance. Review status: criteria provided, multiple submitters, no conflicts (2 of 4 stars). 3 submissions from 3 submitters: Uncertain significance (3). Last evaluated 2024-07-03.

Conditions:
Autosomal recessive distal spinal muscular atrophy 2. Also called: NEURONOPATHY, DISTAL HEREDITARY MOTOR, JERASH TYPE; NEUROPATHY, DISTAL HEREDITARY MOTOR, JERASH TYPE; NEUROPATHY, DISTAL HEREDITARY MOTOR, AUTOSOMAL RECESSIVE 2; Hereditary motor neuropathy, Jerash type; Motor neuropathy, distal, Jerash type; SPINAL MUSCULAR ATROPHY, JERASH TYPE. Identifiers: Orphanet 139552, MedGen C1854023, MONDO:0011585, OMIM 605726.
Amyotrophic lateral sclerosis type 16. Also called: AMYOTROPHIC LATERAL SCLEROSIS 16, JUVENILE. Identifiers: Orphanet 300605, MedGen C3280587, MONDO:0013715, OMIM 614373.
Inborn genetic diseases. Identifiers: MedGen C0950123, MeSH D030342.

Allele frequency attached by ClinVar (database versions not stated): 1000 Genomes Project 30x 0.00016; TOPMed 0.00006; 1000 Genomes Project 0.00020.
gnomAD v4.1: 48 of 1,614,038 alleles (0.003%); highest among the groups gnomAD compares: Admixed American, 0.023%; no homozygotes.

Submissions (3):

GeneDx
Classification: Uncertain significance. Last evaluated: 2024-07-03. Review status: criteria provided, single submitter. Criteria: GeneDx Variant Classification Process June 2021. Collection method: clinical testing. Allele origin: germline. Affected: yes.
Comment: In silico analysis indicates that this missense variant does not alter protein structure/function; Has not been previously published as pathogenic or benign to our knowledge

Ambry Genetics
Classification: Uncertain significance for Inborn genetic diseases. Last evaluated: 2024-05-23. Review status: criteria provided, single submitter. Criteria: Ambry Variant Classification Scheme 2023. Collection method: clinical testing. Allele origin: germline.

Labcorp Genetics (formerly Invitae), Labcorp
Classification: Uncertain significance for Autosomal recessive distal spinal muscular atrophy 2; Amyotrophic lateral sclerosis type 16. Last evaluated: 2022-08-31. Review status: criteria provided, single submitter. Criteria: Invitae Variant Classification Sherloc (09022015). Collection method: clinical testing. Allele origin: germline.
Comment: This sequence change replaces glycine, which is neutral and non-polar, with tryptophan, which is neutral and slightly polar, at codon 155 of the SIGMAR1 protein (p.Gly155Trp). This variant is present in population databases (rs200076129, gnomAD 0.02%). This variant has not been reported in the literature in individuals affected with SIGMAR1-related conditions. ClinVar contains an entry for this variant (Variation ID: 843288). Algorithms developed to predict the effect of missense changes on protein structure and function are either unavailable or do not agree on the potential impact of this missense change (SIFT: "Deleterious"; PolyPhen-2: "Probably Damaging"; Align-GVGD: "Class C0"). In summary, the available evidence is currently insufficient to determine the role of this variant in disease. Therefore, it has been classified as a Variant of Uncertain Significance.